The following is an entry in ClinVar:

ClinVar aggregate classification (germline): Uncertain significance (1 of 4 stars; one submission).

Conditions:
L-2-hydroxyglutaric aciduria (L2HGA). Identifiers: Orphanet 79314, MedGen C1855995, MONDO:0009370, OMIM 236792, HP:0040144.

Allele frequency attached by ClinVar (database versions not stated): gnomAD 0.00001; 1000 Genomes Project 30x 0.00016.
gnomAD v4.1: 1 of 1,611,064 alleles (0.000062%); highest among the groups gnomAD compares: African/African-American, 0.0013%; no homozygotes.

Submission:

Labcorp Genetics (formerly Invitae), Labcorp
Classification: Uncertain significance for L-2-hydroxyglutaric aciduria. Last evaluated: 2023-07-07. Review status: criteria provided, single submitter. Criteria: Invitae Variant Classification Sherloc (09022015). Collection method: clinical testing. Allele origin: germline.
Comment: This sequence change replaces aspartic acid, which is acidic and polar, with glycine, which is neutral and non-polar, at codon 396 of the L2HGDH protein (p.Asp396Gly). This variant is not present in population databases (gnomAD no frequency). This variant has not been reported in the literature in individuals affected with L2HGDH-related conditions. ClinVar contains an entry for this variant (Variation ID: 1440410). Advanced modeling of protein sequence and biophysical properties (such as structural, functional, and spatial information, amino acid conservation, physicochemical variation, residue mobility, and thermodynamic stability) has been performed at Invitae for this missense variant, however the output from this modeling did not meet the statistical confidence thresholds required to predict the impact of this variant on L2HGDH protein function. In summary, the available evidence is currently insufficient to determine the role of this variant in disease. Therefore, it has been classified as a Variant of Uncertain Significance.

NM_024884.3(L2HGDH):c.1187A>G (p.Asp396Gly)

Gene: L2HGDH (L-2-hydroxyglutarate dehydrogenase; minus strand). Cytogenetic location: 14q21.3.
Variant type: single nucleotide variant.
Coding change: c.1187A>G on transcript NM_024884.3 (MANE Select); coding-DNA position 1187, A replaced by G.
Protein change: p.Asp396Gly; replaces aspartic acid 396 with glycine.
Molecular consequence: missense variant.
Genome position (GRCh38, 1-based): chr14:50,265,367, T>C on the plus strand (A>G on the coding strand, the complement: L2HGDH is on the minus strand). VCF-style: chr14-50265367-T-C. GRCh37 (hg19) VCF-style: chr14-50732085-T-C.
Other names: short protein forms D396G.
Identifiers: ClinVar variation 1440410 (VCV001440410.8), dbSNP rs1426651193, ClinGen allele CA389648414.
Genomic context (GRCh38, chr14:50,265,367, plus strand): 5'-AAGTTCACATAGGTCAGGACTGTATTTACACTCCTTATCCCTTTTCCTTACCTAAGTATA[T>C]CACTGATAGTAATTTCAGGGATGAATTTTTGAAGATACTTCACTGTTGCACCAAGAAAAC-3'
Protein context (NP_079160.1, residues 386-406): QKFIPEITIS[Asp396Gly]ILRGPAGVRA